The following is an entry in ClinVar:

ClinVar aggregate classification (germline): Uncertain significance (1 of 4 stars; one submission).

Submission:

GeneDx
Classification: Uncertain significance. Last evaluated: 2024-05-17. Review status: criteria provided, single submitter. Criteria: GeneDx Variant Classification Process June 2021. Collection method: clinical testing. Allele origin: germline. Affected: yes.
Comment: Not observed at significant frequency in large population cohorts (gnomAD); In silico analysis supports that this missense variant has a deleterious effect on protein structure/function; Has not been previously published as pathogenic or benign to our knowledge

NM_000208.4(INSR):c.481T>C (p.Ser161Pro)

Gene: INSR (insulin receptor; minus strand). Cytogenetic location: 19p13.2.
Variant type: single nucleotide variant.
Coding change: c.481T>C on transcript NM_000208.4 (MANE Select); coding-DNA position 481, T replaced by C.
Protein change: p.Ser161Pro; replaces serine 161 with proline.
Molecular consequence: missense variant.
Genome position (GRCh38, 1-based): chr19:7,267,516, A>G on the plus strand (T>C on the coding strand, the complement: INSR is on the minus strand). VCF-style: chr19-7267516-A-G. GRCh37 (hg19) VCF-style: chr19-7267527-A-G.
Other names: c.481T>C, p.Ser161Pro (NM_001079817.3); short protein forms S161P.
Identifiers: ClinVar variation 3381577 (VCV003381577.1).